The following is an entry in ClinVar:

ClinVar aggregate classification (germline): Uncertain significance (1 of 4 stars; one submission).

Conditions:
Chédiak-Higashi syndrome (CHS). Also called: Chediak-Higashi Syndrome. Identifiers: Orphanet 167, MedGen C0007965, MONDO:0008963, OMIM 214500.

Submission:

Labcorp Genetics (formerly Invitae), Labcorp
Classification: Uncertain significance for Chédiak-Higashi syndrome. Last evaluated: 2022-01-28. Review status: criteria provided, single submitter. Criteria: Invitae Variant Classification Sherloc (09022015). Collection method: clinical testing. Allele origin: germline.
Comment: In summary, the available evidence is currently insufficient to determine the role of this variant in disease. Therefore, it has been classified as a Variant of Uncertain Significance. Algorithms developed to predict the effect of missense changes on protein structure and function are either unavailable or do not agree on the potential impact of this missense change (SIFT: "Deleterious"; PolyPhen-2: "Benign"; Align-GVGD: "Class C0"). This variant has not been reported in the literature in individuals affected with LYST-related conditions. This variant is not present in population databases (gnomAD no frequency). This sequence change replaces aspartic acid, which is acidic and polar, with valine, which is neutral and non-polar, at codon 1554 of the LYST protein (p.Asp1554Val).

NM_000081.4(LYST):c.4661A>T (p.Asp1554Val)

Gene: LYST (lysosomal trafficking regulator; minus strand). Cytogenetic location: 1q42.3.
Variant type: single nucleotide variant.
Coding change: c.4661A>T on transcript NM_000081.4 (MANE Select); coding-DNA position 4661, A replaced by T.
Protein change: p.Asp1554Val; replaces aspartic acid 1554 with valine.
Molecular consequence: missense variant.
Genome position (GRCh38, 1-based): chr1:235,788,728, T>A on the plus strand (A>T on the coding strand, the complement: LYST is on the minus strand). VCF-style: chr1-235788728-T-A. GRCh37 (hg19) VCF-style: chr1-235952028-T-A.
Other names: c.4661A>T, p.Asp1554Val (NM_001301365.1); short protein forms D1554V.
Identifiers: ClinVar variation 2090942 (VCV002090942.4), dbSNP rs2526869097, ClinGen allele CA344958083.
Genomic context (GRCh38, chr1:235,788,728, plus strand): 5'-ATCTATTCATGGGAGGCTGAGGATAATCAATACCGAAAGATAAGAGTGGCATTGTGGGGA[T>A]CAGCCCACACTTGGATCATCAACGCTTTGGATCCCAGTGAAATTATATGAATACATCCTT-3'
Protein context (NP_000072.2, residues 1544-1564): SKALMIQVWA[Asp1554Val]PHNATLIFRV